The following is an entry in ClinVar:

NM_017636.4(TRPM4):c.1609-3C>T

Gene: TRPM4 (transient receptor potential cation channel subfamily M member 4; plus strand). Cytogenetic location: 19q13.33.
Variant type: single nucleotide variant.
Coding change: c.1609-3C>T on transcript NM_017636.4 (MANE Select); 3 bases into the intron before coding-DNA position 1609, C replaced by T.
Molecular consequence: intron variant.
Genome position (GRCh38, 1-based): chr19:49,183,075, C>T. VCF-style: chr19-49183075-C-T. GRCh37 (hg19) VCF-style: chr19-49686332-C-T.
Other names: c.1609-3C>T (NM_001195227.2); c.1-3C>T (NM_001321282.2); c.1264-3C>T (NM_001321281.2); c.1087-3C>T (NM_001321283.2); c.547-3C>T (NM_001321285.2).
Identifiers: ClinVar variation 1936035 (VCV001936035.5), dbSNP rs2514118938, ClinGen allele CA2576848428.

ClinVar aggregate classification (germline): Uncertain significance (1 of 4 stars; one submission).

Conditions:
Progressive familial heart block type IB (PFHB1B). Identifiers: Orphanet 871, MedGen C1970298, MONDO:0011474, OMIM 604559.

Allele frequency attached by ClinVar (database versions not stated): gnomAD exomes below 0.00001.
gnomAD v4.1: 1 of 1,611,774 alleles (0.000062%); highest among the groups gnomAD compares: Non-Finnish European, 0.000085%; no homozygotes.

Submission:

Labcorp Genetics (formerly Invitae), Labcorp
Classification: Uncertain significance for Progressive familial heart block type IB. Last evaluated: 2023-11-10. Review status: criteria provided, single submitter. Criteria: Invitae Variant Classification Sherloc (09022015). Collection method: clinical testing. Allele origin: germline.
Comment: This sequence change falls in intron 11 of the TRPM4 gene. It does not directly change the encoded amino acid sequence of the TRPM4 protein. It affects a nucleotide within the consensus splice site. This variant is not present in population databases (gnomAD no frequency). This variant has not been reported in the literature in individuals affected with TRPM4-related conditions. ClinVar contains an entry for this variant (Variation ID: 1936035). Variants that disrupt the consensus splice site are a relatively common cause of aberrant splicing (PMID: 17576681, 9536098). Algorithms developed to predict the effect of sequence changes on RNA splicing suggest that this variant is not likely to affect RNA splicing. In summary, the available evidence is currently insufficient to determine the role of this variant in disease. Therefore, it has been classified as a Variant of Uncertain Significance.

Literature cited by the submitters: PubMed 17576681; PubMed 9536098.